The following is an entry in ClinVar:

NC_012920.1(MT-ND1):m.3547A>G

Gene: MT-ND1 (mitochondrially encoded NADH dehydrogenase 1; plus strand).
Variant type: single nucleotide variant.
Genome position: chrM-3547-A-G.
Identifiers: ClinVar variation 692370 (VCV000692370.2), dbSNP rs28358586, ClinGen allele CA337096586.
Genomic context (GRCh38, chrMT:3,547, plus strand): 5'-CTAAAACCCGCCACATCTACCATCACCCTCTACATCACCGCCCCGACCTTAGCTCTCACC[A>G]TCGCTCTTCTACTATGAACCCCCCTCCCCATACCCAACCCCCTGGTCAACCTCAACCTAG-3'

ClinVar aggregate classification (germline): Benign. Review status: criteria provided, multiple submitters, no conflicts (2 of 4 stars). 2 submissions from 2 submitters: Benign (2). Last evaluated 2019-10-17.

Conditions:
Leigh syndrome (NULS). Also called: Leigh's necrotizing encephalopathy; Leigh's disease; Leigh Syndrome (mtDNA deletion); Leigh Disease; Subacute necrotizing encephalopathy; Necrotizing encephalopathy infantile subacute of Leigh. Identifiers: Orphanet 506, MedGen C2931891, MONDO:0009723, OMIM 256000.

Submissions (2):

Wong Mito Lab, Molecular and Human Genetics, Baylor College of Medicine
Classification: Benign for Leigh syndrome. Last evaluated: 2019-10-17. Review status: criteria provided, single submitter. Criteria: Modified ACMG Guidelines (Unpublished). Collection method: clinical testing. Allele origin: germline.
Comment: The NC_012920.1:m.3547A>G (YP_003024026.1:p.Ile81Val) variant in MTND1 gene is interpretated to be a Benign variant based on the modified ACMG guidelines (unpublished). This variant meets the following evidence codes: BA1

Breakthrough Genomics
Classification: Benign. Review status: criteria provided, single submitter. Criteria: ACMG Guidelines, 2015. Collection method: not provided. Allele origin: germline. Inheritance: Unknown mechanism. Affected: yes.